The following is an entry in ClinVar:

NM_018359.5(UFSP2):c.344T>A (p.Val115Glu)

Genes: CFAP96 (cilia and flagella associated protein 96; plus strand), UFSP2 (UFM1 specific peptidase 2; minus strand). Cytogenetic location: 4q35.1.
Variant type: single nucleotide variant.
Coding change: c.344T>A on transcript NM_018359.5 (MANE Select); coding-DNA position 344, T replaced by A.
Protein change: p.Val115Glu; replaces valine 115 with glutamic acid.
Molecular consequence: missense variant. On other transcripts: non-coding transcript variant (2).
Genome position (GRCh38, 1-based): chr4:185,415,857, A>T on the plus strand (T>A on the coding strand, the complement: UFSP2 is on the minus strand). VCF-style: chr4-185415857-A-T. GRCh37 (hg19) VCF-style: chr4-186337011-A-T.
Other names: UFSP2, VAL115GLU (rs142500730); c.344T>A (NM_018359.4); short protein forms V115E.
Identifiers: ClinVar variation 932944 (VCV000932944.84), dbSNP rs142500730, ClinGen allele CA3158629.

ClinVar aggregate classification (germline): Conflicting classifications of pathogenicity. Review status: criteria provided, conflicting classifications (1 of 4 stars). 23 submissions from 22 submitters: Pathogenic (10); Likely pathogenic (6); Uncertain significance (1). 6 of the submissions do not count toward it. Last evaluated 2025-10-01.

Conditions:
Developmental and epileptic encephalopathy 106 (DEE106). Identifiers: MedGen C5774212, MONDO:0031052, OMIM 620028.
UFSP2-related neurodevelopmental disorder.
Hip dysplasia, Beukes type. Also called: OSTEOARTHROPATHY, PREMATURE DEGENERATIVE, OF HIP; BEUKES FAMILIAL HIP DYSPLASIA. Identifiers: Orphanet 2114, MedGen C1840572, MONDO:0007726, OMIM 142669.
Developmental and epileptic encephalopathy, 1 (DEE1). Also called: X-linked infantile spasms; West's syndrome; Tonic spasms with clustering, arrest of psychomotor development and hypsarrhythmia on EEG; X-Linked Infantile Spasm Syndrome; OHTAHARA SYNDROME, X-LINKED; INFANTILE SPASM SYNDROME, X-LINKED 1. Identifiers: MedGen C3463992, MONDO:0010632, OMIM 308350. Disease mechanism: loss of function.
UFSP2-related disorder. Also called: UFSP2-related condition.
Abnormality of the nervous system. Also called: Congenital nervous system disorder. Identifiers: MedGen C0497552, MONDO:0002320, HP:0000707.
Epileptic encephalopathy. Identifiers: MedGen C0543888, HP:0200134.
Severe global developmental delay. Also called: Severe psychomotor retardation. Identifiers: MedGen C1837397, HP:0011344.
Focal-onset seizure. Also called: Focal seizures. Identifiers: MedGen C0751495, HP:0007359.
Microcephaly. Also called: Microcephaly (disease). Identifiers: MedGen C4551563, MONDO:0001149, HP:0000252.
Seizure. Also called: Seizures. Identifiers: MedGen C0036572, HP:0001250.
Intellectual disability. Also called: Intellectual functioning disability; Intellectual developmental disorder; intellectual disabilities. Identifiers: MedGen C3714756, MeSH D008607, MONDO:0001071, HP:0001249.
Olivopontocerebellar hypoplasia. Identifiers: MedGen C1859341, HP:0006955.

Allele frequency attached by ClinVar (database versions not stated): gnomAD exomes 0.00013 and 0.00008; ExAC 0.00018; 1000 Genomes Project 0.00040; TOPMed 0.00001; gnomAD 0.00003 and 0.00001; 1000 Genomes Project 30x 0.00031; ESP Exome Variant Server 0.00008.
gnomAD v4.1: 115 of 1,612,568 alleles (0.0071%); highest among the groups gnomAD compares: South Asian, 0.085%; no homozygotes.

Submissions 1 to 11 of 23:

Excellence Center for Genomics and Precision Medicine, King Chulalongkorn Memorial Hospital
Classification: Pathogenic for Developmental and epileptic encephalopathy 106. Last evaluated: 2025-10-01. Review status: criteria provided, single submitter. Criteria: ACMG Guidelines, 2015. Collection method: clinical testing. Allele origin: germline. Affected: yes.
Comment: PM3_strong, PS3_supporting, PM2_supporting, PM5

3billion
Classification: Pathogenic for Developmental and epileptic encephalopathy 106. Last evaluated: 2025-07-16. Review status: criteria provided, single submitter. Criteria: ACMG Guidelines, 2015. Collection method: clinical testing. Allele origin: germline. Affected: yes.
Comment: The variant is observed at an extremely low frequency in the gnomAD v4.1.0 dataset (total allele frequency: 0.007%). Predicted Consequence/Location: Missense variant Functional studies provide moderate evidence of the variant having a damaging effect on the gene or gene product (PMID: 33473208). In silico tools predict the variant to alter splicing and produce an abnormal transcript [SpliceAI: 0.22 (>=0.2, moderate evidence for spliceogenicity)]. The same nucleotide change resulting in the same amino acid change has been previously reported as pathogenic/likely pathogenic with strong evidence (ClinVar ID: VCV000932944 /PMID: 33473208 /3billion dataset). The variant has been observed in multiple (>3) similarly affected unrelated individuals (PMID: 33473208). The variant has been reported to co-segregate with the disease in at least one similarly affected relative/individual in the same family or similarly affected unrelated families (PMID: 33473208). Therefore, this variant is classified as Pathogenic according to the recommendation of ACMG/AMP guideline.

CeGaT Center for Human Genetics Tuebingen
Classification: Likely pathogenic. Last evaluated: 2025-03-01. Review status: criteria provided, single submitter. Criteria: CeGaT Center For Human Genetics Tuebingen Variant Classification Criteria Version 2. Collection method: clinical testing. Allele origin: germline. Affected: yes. Observed: 4 variant alleles.
Comment: UFSP2: PP1:Strong, PM2, PM3, BP4

First Genomix Gene Laboratory, Genetic Diagnostics Department
Classification: Pathogenic for Developmental and epileptic encephalopathy 106. Last evaluated: 2025-01-16. Review status: criteria provided, single submitter. Criteria: ACMG Guidelines, 2015. Collection method: clinical testing. Allele origin: germline. Inheritance: Autosomal recessive inheritance. Affected: no. Observed: 1 variant allele.

Institute of Medical Genetics and Genomics, Sir Ganga Ram Hospital
Classification: Pathogenic for Developmental and epileptic encephalopathy 106. Last evaluated: 2024-12-13. Review status: criteria provided, single submitter. Criteria: ACMG Guidelines, 2015. Collection method: clinical testing. Allele origin: germline. Inheritance: Autosomal recessive inheritance. Affected: yes. Observed: 1 homozygote.
Comment: The Identified homozygous missense variant in UFSP2 gene alters a conserved residue in UFSP2. The co-segregation of UFSP2 p.V115E with the disease in multiple families constitutes strong evidence for its pathogenicity[ PMID: 33473208]. Functional studies supporting a damaging effect on the gene product[ PMID: 33473208]. It is submitted multiple times in clinvar as pathogenic/likely pathogenic[Variation ID: 932944].

Victorian Clinical Genetics Services, Murdoch Childrens Research Institute
Classification: Pathogenic for Developmental and epileptic encephalopathy 106. Last evaluated: 2024-10-09. Review status: criteria provided, single submitter. Criteria: ACMG Guidelines, 2015. Collection method: clinical testing. Allele origin: germline. Inheritance: Autosomal recessive inheritance. Affected: yes.
Comment: Based on the classification scheme VCGS_Germline_v1.3.4, this variant is classified as Pathogenic. Following criteria are met: 0102 - Loss of function is a known mechanism of disease in this gene and is associated with developmental and epileptic encephalopathy 106 (MIM#620028). The disease mechanism of spondyloepimetaphyseal dysplasia, Di Rocco type (MIM#617974) is not clearly established. (I) 0108 - This gene is associated with both recessive and dominant disease. It is associated with autosomal recessive developmental and epileptic encephalopathy 106 (MIM#620028) and autosomal dominant spondyloepimetaphyseal dysplasia, Di Rocco type (MIM#617974). Its association with hip dysplasia, Beukes type (MIM#142669) is not well established (PanelApp Australia). (I) 0200 - Variant is predicted to result in a missense amino acid change from valine to glutamic acid. (I) 0252 - This variant is homozygous. (I) 0304 - Variant is present in gnomAD <0.01 for a recessive condition (v2: 32 heterozygotes, 0 homozygotes). (SP) 0502 - Missense variant with conflicting in silico predictions and uninformative conservation. (I) 0600 - Variant is located in the annotated UfSP2_N domain (DECIPHER). (I) 0801 - This variant has strong previous evidence of pathogenicity in unrelated individuals. It has been reported as pathogenic/likely pathogenic by many clinical testing laboratories (ClinVar). It has also been reported as homozygous in individuals with early onset epilepsy (PMID: 33473208, DECIPHER). This variant has been reported as VUS by two clinical testing laboratories; however, no compelling evidence against pathogenicity was provided (ClinVar). (SP) 1001 - This variant has strong functional evidence supporting abnormal protein function. Fibroblast cell lines established from samples of affected individuals showed markedly reduced UFSP2 protein level (PMID: 33473208). The enhanced levels of several UFM1-conjugated proteins in those cell lines were normalised by the expression of wild-type UFSP2 (PMID: 33473208). The functional evidence is consistent with a loss of function disease mechanism. (I) Legend: (SP) - Supporting pathogenic, (I) - Information, (SB) - Supporting benign

Blueprint Genetics
Classification: Likely pathogenic for UFSP2-related disorders. Last evaluated: 2024-08-20. Review status: criteria provided, single submitter. Criteria: ACMG Guidelines, 2015. Collection method: clinical testing. Allele origin: germline. Affected: yes. Observed: 5 variant alleles.

Genomic Medicine Center of Excellence, King Faisal Specialist Hospital and Research Centre
Classification: Likely pathogenic for Hip dysplasia, Beukes type. Last evaluated: 2024-03-25. Review status: criteria provided, single submitter. Criteria: ACMG Guidelines, 2015. Collection method: research. Allele origin: germline.

Neuberg Centre For Genomic Medicine, NCGM
Classification: Pathogenic for Developmental and epileptic encephalopathy 106. Last evaluated: 2024-02-01. Review status: criteria provided, single submitter. Criteria: ACMG Guidelines, 2015. Collection method: clinical testing. Allele origin: germline. Inheritance: Autosomal recessive inheritance. Affected: yes.
Comment: The above variant in the UFSP2 gene has been reported previously in multiple individuals affected with UFSP2 related disorder (Ni M, et al., 2021; Raha S, et al., 2023). This variant has been observed to segregate with disease in related individuals (Ni M, et al., 2021). This variant is rare and alters a conserved residue in UFSP2. Functional studies have shown reduced protein stability and possibly reduced interaction with UFMylated targets in families of South Asian origin (Ni M, et al., 2021).

Centre for Inherited Metabolic Diseases, Karolinska University Hospital
Classification: Pathogenic for Developmental and epileptic encephalopathy 106. Last evaluated: 2023-11-29. Review status: criteria provided, single submitter. Criteria: ACMG Guidelines, 2015. Collection method: clinical testing. Allele origin: inherited. Inheritance: Autosomal recessive inheritance. Affected: yes. Observed: 1 compound heterozygote.

Baylor Genetics
Classification: Pathogenic for Developmental and epileptic encephalopathy 106. Last evaluated: 2023-03-30. Review status: criteria provided, single submitter. Criteria: ACMG Guidelines, 2015. Collection method: clinical testing. Allele origin: unknown.